The following is an entry in ClinVar:

ClinVar aggregate classification (germline): Uncertain significance (1 of 4 stars; one submission).

Allele frequency attached by ClinVar (database versions not stated): TOPMed below 0.00001; ExAC 0.00001; gnomAD 0.00001; gnomAD exomes 0.00001.
gnomAD v4.1: 8 of 1,611,674 alleles (0.0005%); highest among the groups gnomAD compares: East Asian, 0.0022%; no homozygotes.

Submission:

Labcorp Genetics (formerly Invitae), Labcorp
Classification: Uncertain significance. Last evaluated: 2022-05-05. Review status: criteria provided, single submitter. Criteria: Invitae Variant Classification Sherloc (09022015). Collection method: clinical testing. Allele origin: germline.
Comment: In summary, the available evidence is currently insufficient to determine the role of this variant in disease. Therefore, it has been classified as a Variant of Uncertain Significance. Algorithms developed to predict the effect of missense changes on protein structure and function (SIFT, PolyPhen-2, Align-GVGD) all suggest that this variant is likely to be tolerated. This variant has not been reported in the literature in individuals affected with ABHD12-related conditions. The frequency data for this variant in the population databases is considered unreliable, as metrics indicate poor data quality at this position in the gnomAD database. This sequence change replaces arginine, which is basic and polar, with glutamine, which is neutral and polar, at codon 257 of the ABHD12 protein (p.Arg257Gln).

NM_001042472.3(ABHD12):c.770G>A (p.Arg257Gln)

Gene: ABHD12 (abhydrolase domain containing 12, lysophospholipase; minus strand). Cytogenetic location: 20p11.21.
Variant type: single nucleotide variant.
Coding change: c.770G>A on transcript NM_001042472.3 (MANE Select); coding-DNA position 770, G replaced by A.
Protein change: p.Arg257Gln; replaces arginine 257 with glutamine.
Molecular consequence: missense variant.
Genome position (GRCh38, 1-based): chr20:25,308,474, C>T on the plus strand (G>A on the coding strand, the complement: ABHD12 is on the minus strand). VCF-style: chr20-25308474-C-T. GRCh37 (hg19) VCF-style: chr20-25289110-C-T.
Other names: c.770G>A, p.Arg257Gln (NM_015600.5); short protein forms R257Q.
Identifiers: ClinVar variation 2133707 (VCV002133707.4), dbSNP rs774352643, ClinGen allele CA9796007.